The following is an entry in ClinVar:

ClinVar aggregate classification (germline): Uncertain significance (1 of 4 stars; one submission).

Conditions:
Dilated cardiomyopathy 1DD (CMD1DD). Identifiers: Orphanet 154, MedGen C2750995, MONDO:0013168, OMIM 613172.

Submission:

Labcorp Genetics (formerly Invitae), Labcorp
Classification: Uncertain significance for Dilated cardiomyopathy 1DD. Last evaluated: 2023-06-05. Review status: criteria provided, single submitter. Criteria: Invitae Variant Classification Sherloc (09022015). Collection method: clinical testing. Allele origin: germline.
Comment: In summary, the available evidence is currently insufficient to determine the role of this variant in disease. Therefore, it has been classified as a Variant of Uncertain Significance. Advanced modeling of protein sequence and biophysical properties (such as structural, functional, and spatial information, amino acid conservation, physicochemical variation, residue mobility, and thermodynamic stability) performed at Invitae indicates that this missense variant is not expected to disrupt RBM20 protein function. This variant has not been reported in the literature in individuals affected with RBM20-related conditions. This variant is not present in population databases (gnomAD no frequency). This sequence change replaces proline, which is neutral and non-polar, with threonine, which is neutral and polar, at codon 174 of the RBM20 protein (p.Pro174Thr).

NM_001134363.3(RBM20):c.520C>A (p.Pro174Thr)

Gene: RBM20 (RNA binding motif protein 20; plus strand). Cytogenetic location: 10q25.2.
Variant type: single nucleotide variant.
Coding change: c.520C>A on transcript NM_001134363.3 (MANE Select); coding-DNA position 520, C replaced by A.
Protein change: p.Pro174Thr; replaces proline 174 with threonine.
Molecular consequence: missense variant.
Genome position (GRCh38, 1-based): chr10:110,781,129, C>A. VCF-style: chr10-110781129-C-A. GRCh37 (hg19) VCF-style: chr10-112540887-C-A.
Other names: short protein forms P174T.
Identifiers: ClinVar variation 2770419 (VCV002770419.3), dbSNP rs1051939668, ClinGen allele CA378380921.